The following is an entry in ClinVar:

NM_004304.5(ALK):c.2258G>A (p.Arg753Gln)

Gene: ALK (ALK receptor tyrosine kinase; minus strand). Cytogenetic location: 2p23.2.
Variant type: single nucleotide variant.
Coding change: c.2258G>A on transcript NM_004304.5 (MANE Select); coding-DNA position 2258, G replaced by A.
Protein change: p.Arg753Gln; replaces arginine 753 with glutamine.
Molecular consequence: missense variant.
Genome position (GRCh38, 1-based): chr2:29,239,777, C>T on the plus strand (G>A on the coding strand, the complement: ALK is on the minus strand). VCF-style: chr2-29239777-C-T. GRCh37 (hg19) VCF-style: chr2-29462643-C-T.
Other names: short protein forms R753Q.
Identifiers: ClinVar variation 404365 (VCV000404365.16), dbSNP rs187200776, ClinGen allele CA16610706.

ClinVar aggregate classification (germline): Uncertain significance. Review status: criteria provided, multiple submitters, no conflicts (2 of 4 stars). 4 submissions from 4 submitters: Uncertain significance (4). Last evaluated 2025-12-16.
ClinVar aggregate classification (oncogenicity): Likely oncogenic (1 of 4 stars; one submission).

Conditions:
Hereditary cancer-predisposing syndrome. Also called: Tumor predisposition; Neoplastic Syndromes, Hereditary; Hereditary Cancer Syndrome; Hereditary neoplastic syndrome. Identifiers: Orphanet 140162, MedGen C0027672, MeSH D009386, MONDO:0015356.
Neuroblastoma, susceptibility to, 3. Also called: ALK-Related Neuroblastic Tumor Susceptibility. Identifiers: Orphanet 635, MedGen C2751681, MONDO:0013083, OMIM 613014.
Neoplasm. Also called: Neoplasms; Neoplasm (disease); tumor. Identifiers: MedGen C0027651, MeSH D009369, MONDO:0005070, HP:0002664.

Allele frequency attached by ClinVar (database versions not stated): TOPMed 0.00003; gnomAD 0.00004; gnomAD exomes 0.00014.
gnomAD v4.1: 205 of 1,614,014 alleles (0.013%); highest among the groups gnomAD compares: Non-Finnish European, 0.017%; no homozygotes.

Submissions (5):

Labcorp Genetics (formerly Invitae), Labcorp
Classification: Uncertain significance for Neuroblastoma, susceptibility to, 3. Last evaluated: 2025-12-16. Review status: criteria provided, single submitter. Criteria: Invitae Variant Classification Sherloc (09022015). Collection method: clinical testing. Allele origin: germline.
Comment: This sequence change replaces arginine, which is basic and polar, with glutamine, which is neutral and polar, at codon 753 of the ALK protein (p.Arg753Gln). This variant is present in population databases (rs187200776, gnomAD 0.002%). This variant has not been reported in the literature in individuals affected with ALK-related conditions. ClinVar contains an entry for this variant (Variation ID: 404365). An algorithm developed to predict the effect of missense changes on protein structure and function (PolyPhen-2) suggests that this variant is likely to be disruptive. Experimental studies have shown that this missense change affects ALK function (PMID: 34646012). In summary, the available evidence is currently insufficient to determine the role of this variant in disease. Therefore, it has been classified as a Variant of Uncertain Significance.

Center for Genomic Medicine, Rigshospitalet, Copenhagen University Hospital
Classification: Likely oncogenic for Neoplasm. Last evaluated: 2025-03-04. Review status: criteria provided, single submitter. Criteria: ClinGen/CGC/VICC Guidelines for Oncogenicity, 2022. Collection method: clinical testing. Allele origin: somatic. Affected: yes.

Ambry Genetics
Classification: Uncertain significance for Hereditary cancer-predisposing syndrome. Last evaluated: 2024-12-11. Review status: criteria provided, single submitter. Criteria: Ambry Variant Classification Scheme 2023. Collection method: clinical testing. Allele origin: germline.
Comment: The p.R753Q variant (also known as c.2258G>A), located in coding exon 13 of the ALK gene, results from a G to A substitution at nucleotide position 2258. The arginine at codon 753 is replaced by glutamine, an amino acid with highly similar properties. This amino acid position is highly conserved in available vertebrate species. In addition, this alteration is predicted to be tolerated by in silico analysis. Based on the available evidence, the clinical significance of this variant remains unclear.

Baylor Genetics
Classification: Uncertain significance for Neuroblastoma, susceptibility to, 3. Last evaluated: 2024-03-28. Review status: criteria provided, single submitter. Criteria: ACMG Guidelines, 2015. Collection method: clinical testing. Allele origin: unknown.

GeneDx
Classification: Uncertain significance. Last evaluated: 2023-12-12. Review status: criteria provided, single submitter. Criteria: GeneDx Variant Classification Process June 2021. Collection method: clinical testing. Allele origin: germline. Affected: yes.
Comment: Not observed at significant frequency in large population cohorts (gnomAD); In silico analysis supports that this missense variant does not alter protein structure/function; Published functional studies demonstrate increased cytokine-dependent cell proliferation (PMID: 34646012); This variant is associated with the following publications: (PMID: 25714698, 31768065, 34646012)

Literature cited by the submitters: PubMed 34646012 (cited by Labcorp Genetics (formerly Invitae), Labcorp and Center for Genomic Medicine, Rigshospitalet, Copenhagen University Hospital).